The following is an entry in ClinVar:

ClinVar aggregate classification (germline): Uncertain significance (1 of 4 stars; one submission).

Allele frequency attached by ClinVar (database versions not stated): ExAC 0.00001; TOPMed 0.00001.
gnomAD v4.1: 2 of 1,612,892 alleles (0.00012%); highest among the groups gnomAD compares: Admixed American, 0.0017%; no homozygotes.

Submission:

Labcorp Genetics (formerly Invitae), Labcorp
Classification: Uncertain significance. Last evaluated: 2023-04-24. Review status: criteria provided, single submitter. Criteria: Invitae Variant Classification Sherloc (09022015). Collection method: clinical testing. Allele origin: germline.
Comment: In summary, the available evidence is currently insufficient to determine the role of this variant in disease. Therefore, it has been classified as a Variant of Uncertain Significance. Algorithms developed to predict the effect of missense changes on protein structure and function output the following: SIFT: "Not Available"; PolyPhen-2: "Benign"; Align-GVGD: "Not Available". The valine amino acid residue is found in multiple mammalian species, which suggests that this missense change does not adversely affect protein function. This variant has not been reported in the literature in individuals affected with IL6ST-related conditions. This variant is present in population databases (rs770873033, gnomAD 0.003%). This sequence change replaces isoleucine, which is neutral and non-polar, with valine, which is neutral and non-polar, at codon 74 of the IL6ST protein (p.Ile74Val).

NM_002184.4(IL6ST):c.220A>G (p.Ile74Val)

Gene: IL6ST (interleukin 6 cytokine family signal transducer; minus strand). Cytogenetic location: 5q11.2.
Variant type: single nucleotide variant.
Coding change: c.220A>G on transcript NM_002184.4 (MANE Select); coding-DNA position 220, A replaced by G.
Protein change: p.Ile74Val; replaces isoleucine 74 with valine.
Molecular consequence: missense variant. On other transcripts: 5 prime UTR variant (3), non-coding transcript variant (2), intron variant (1).
Genome position (GRCh38, 1-based): chr5:55,969,700, T>C on the plus strand (A>G on the coding strand, the complement: IL6ST is on the minus strand). VCF-style: chr5-55969700-T-C. GRCh37 (hg19) VCF-style: chr5-55265528-T-C.
Other names: c.220A>G, p.Ile74Val (NM_001190981.2, NM_001364275.2, NM_175767.3); c.-573A>G (NM_001364277.2, NM_001364279.2); c.-563A>G (NM_001364278.2); c.160+60A>G (NM_001364276.2); short protein forms I74V.
Identifiers: ClinVar variation 2984864 (VCV002984864.3), dbSNP rs770873033, ClinGen allele CA3271747.